The following is an entry in ClinVar:

ClinVar aggregate classification (germline): Conflicting classifications of pathogenicity. Review status: criteria provided, conflicting classifications (1 of 4 stars). 2 submissions from 2 submitters: Uncertain significance (1); Likely benign (1). Last evaluated 2025-03-20.

Conditions:
Inborn genetic diseases. Identifiers: MedGen C0950123, MeSH D030342.

Allele frequency attached by ClinVar (database versions not stated): ExAC 0.00002; TOPMed 0.00005.

Submissions (2):

Labcorp Genetics (formerly Invitae), Labcorp
Classification: Uncertain significance. Last evaluated: 2025-03-20. Review status: criteria provided, single submitter. Criteria: Invitae Variant Classification Sherloc (09022015). Collection method: clinical testing. Allele origin: germline.
Comment: This sequence change replaces alanine, which is neutral and non-polar, with valine, which is neutral and non-polar, at codon 1605 of the SON protein (p.Ala1605Val). This variant is present in population databases (rs753739238, gnomAD 0.008%). This variant has not been reported in the literature in individuals affected with SON-related conditions. ClinVar contains an entry for this variant (Variation ID: 2294489). An algorithm developed to predict the effect of missense changes on protein structure and function outputs the following: PolyPhen-2: "Probably Damaging". The valine amino acid residue is found in multiple mammalian species, which suggests that this missense change does not adversely affect protein function. In summary, the available evidence is currently insufficient to determine the role of this variant in disease. Therefore, it has been classified as a Variant of Uncertain Significance.

Ambry Genetics
Classification: Likely benign for Inborn genetic diseases. Last evaluated: 2022-06-15. Review status: criteria provided, single submitter. Criteria: Ambry Variant Classification Scheme 2023. Collection method: clinical testing. Allele origin: germline.

NM_138927.4(SON):c.4814C>T (p.Ala1605Val)

Gene: SON (SON DNA and RNA binding protein; plus strand). Cytogenetic location: 21q22.11.
Variant type: single nucleotide variant.
Coding change: c.4814C>T on transcript NM_138927.4 (MANE Select); coding-DNA position 4814, C replaced by T.
Protein change: p.Ala1605Val; replaces alanine 1605 with valine.
Molecular consequence: missense variant. On other transcripts: non-coding transcript variant (1), intron variant (1).
Genome position (GRCh38, 1-based): chr21:33,554,045, C>T. VCF-style: chr21-33554045-C-T. GRCh37 (hg19) VCF-style: chr21-34926351-C-T.
Other names: c.4814C>T, p.Ala1605Val (NM_001291411.2, NM_001412133.1, NM_032195.3 and 2 more transcripts); c.245-3111C>T (NM_001291412.3); short protein forms A1605V.
Identifiers: ClinVar variation 2294489 (VCV002294489.3), dbSNP rs753739238, ClinGen allele CA10009602.